The following is an entry in ClinVar:

NM_006206.6(PDGFRA):c.1552G>T (p.Ala518Ser)

Gene: PDGFRA (platelet derived growth factor receptor alpha; plus strand). Cytogenetic location: 4q12.
Variant type: single nucleotide variant.
Coding change: c.1552G>T on transcript NM_006206.6 (MANE Select); coding-DNA position 1552, G replaced by T.
Protein change: p.Ala518Ser; replaces alanine 518 with serine.
Molecular consequence: missense variant.
Genome position (GRCh38, 1-based): chr4:54,273,724, G>T. VCF-style: chr4-54273724-G-T. GRCh37 (hg19) VCF-style: chr4-55139891-G-T.
Other names: c.1552G>T, p.Ala518Ser (NM_001347827.2, NM_001347829.2); c.1627G>T, p.Ala543Ser (NM_001347828.2); c.1591G>T, p.Ala531Ser (NM_001347830.2); short protein forms A543S, A531S, A518S.
Identifiers: ClinVar variation 652461 (VCV000652461.14), dbSNP rs372546959, ClinGen allele CA2922592.
Genomic context (GRCh38, chr4:54,273,724, plus strand): 5'-GCCGTGCGATGCCTGGCTAAGAATCTCCTTGGAGCTGAGAACCGAGAGCTGAAGCTGGTG[G>T]CTCCCAGTGAGTTCCTCAACAGTCAGGACAACTCATCAGCTGAGCCGCATCTGCCCCAGG-3'
Protein context (NP_006197.1, residues 508-528): GAENRELKLV[Ala518Ser]PTLRSELTVA

ClinVar aggregate classification (germline): Uncertain significance. Review status: criteria provided, multiple submitters, no conflicts (2 of 4 stars). 2 submissions from 2 submitters: Uncertain significance (2). Last evaluated 2025-08-03.

Conditions:
Gastrointestinal stromal tumor. Also called: Gastrointestinal stromal tumor, somatic; Gastrointestinal stroma tumor. Identifiers: Orphanet 44890, MedGen C0238198, MeSH D046152, MONDO:0011719, OMIM 606764, HP:0100723.
Hereditary cancer-predisposing syndrome. Also called: Neoplastic Syndromes, Hereditary; Tumor predisposition; Hereditary Cancer Syndrome; Hereditary neoplastic syndrome. Identifiers: Orphanet 140162, MedGen C0027672, MeSH D009386, MONDO:0015356.

Allele frequency attached by ClinVar (database versions not stated): gnomAD exomes below 0.00001; ExAC 0.00001; TOPMed 0.00001; ESP Exome Variant Server 0.00008.
gnomAD v4.1: 3 of 1,612,526 alleles (0.00019%); highest among the groups gnomAD compares: African/African-American, 0.004%; no homozygotes.

Submissions (2):

Ambry Genetics
Classification: Uncertain significance for Hereditary cancer-predisposing syndrome. Last evaluated: 2025-08-03. Review status: criteria provided, single submitter. Criteria: Ambry Variant Classification Scheme 2023. Collection method: clinical testing. Allele origin: germline.

Labcorp Genetics (formerly Invitae), Labcorp
Classification: Uncertain significance for Gastrointestinal stromal tumor. Last evaluated: 2025-05-05. Review status: criteria provided, single submitter. Criteria: Invitae Variant Classification Sherloc (09022015). Collection method: clinical testing. Allele origin: germline.
Comment: This sequence change replaces alanine, which is neutral and non-polar, with serine, which is neutral and polar, at codon 518 of the PDGFRA protein (p.Ala518Ser). This variant is present in population databases (rs372546959, gnomAD 0.007%). This variant has not been reported in the literature in individuals affected with PDGFRA-related conditions. ClinVar contains an entry for this variant (Variation ID: 652461). Invitae Evidence Modeling of protein sequence and biophysical properties (such as structural, functional, and spatial information, amino acid conservation, physicochemical variation, residue mobility, and thermodynamic stability) indicates that this missense variant is not expected to disrupt PDGFRA protein function with a negative predictive value of 80%. In summary, the available evidence is currently insufficient to determine the role of this variant in disease. Therefore, it has been classified as a Variant of Uncertain Significance.